The following is an entry in ClinVar:

NM_006440.5(TXNRD2):c.1408G>A (p.Ala470Thr)

Gene: TXNRD2 (thioredoxin reductase 2; minus strand). Cytogenetic location: 22q11.21.
Variant type: single nucleotide variant.
Coding change: c.1408G>A on transcript NM_006440.5 (MANE Select); coding-DNA position 1408, G replaced by A.
Protein change: p.Ala470Thr; replaces alanine 470 with threonine.
Molecular consequence: missense variant. On other transcripts: non-coding transcript variant (1).
Genome position (GRCh38, 1-based): chr22:19,878,127, C>T on the plus strand (G>A on the coding strand, the complement: TXNRD2 is on the minus strand). VCF-style: chr22-19878127-C-T. GRCh37 (hg19) VCF-style: chr22-19865650-C-T.
Other names: c.1405G>A, p.Ala469Thr (NM_001352300.2); c.1318G>A, p.Ala440Thr (NM_001352301.2); c.1120G>A, p.Ala374Thr (NM_001352302.2); short protein forms A440T, A469T, A470T, A374T.
Identifiers: ClinVar variation 1771956 (VCV001771956.2), dbSNP rs931478209, ClinGen allele CA322075556.

ClinVar aggregate classification (germline): Uncertain significance (1 of 4 stars; one submission).

Conditions:
Cardiovascular phenotype. Identifiers: MedGen CN230736.

Allele frequency attached by ClinVar (database versions not stated): gnomAD exomes below 0.00001; TOPMed 0.00001; gnomAD 0.00002.
gnomAD v4.1: 8 of 1,613,382 alleles (0.0005%); highest among the groups gnomAD compares: African/African-American, 0.0027%; no homozygotes.

Submission:

Ambry Genetics
Classification: Uncertain significance for Cardiovascular phenotype. Last evaluated: 2018-03-30. Review status: criteria provided, single submitter. Criteria: Ambry Variant Classification Scheme 2023. Collection method: clinical testing. Allele origin: germline.
Comment: The p.A470T variant (also known as c.1408G>A), located in coding exon 16 of the TXNRD2 gene, results from a G to A substitution at nucleotide position 1408. The alanine at codon 470 is replaced by threonine, an amino acid with similar properties. This amino acid position is highly conserved in available vertebrate species. In addition, this alteration is predicted to be deleterious by in silico analysis. Since supporting evidence is limited at this time, the clinical significance of this alteration remains unclear.